The following is an entry in ClinVar:

NM_006059.4(LAMC3):c.3114C>G (p.Leu1038=)

Gene: LAMC3 (laminin subunit gamma 3; plus strand). Cytogenetic location: 9q34.12.
Variant type: single nucleotide variant.
Coding change: c.3114C>G on transcript NM_006059.4 (MANE Select); coding-DNA position 3114, C replaced by G.
Protein change: p.Leu1038=; no amino-acid change (leucine 1038 retained).
Molecular consequence: synonymous variant.
Genome position (GRCh38, 1-based): chr9:131,071,528, C>G. VCF-style: chr9-131071528-C-G. GRCh37 (hg19) VCF-style: chr9-133946915-C-G.
Other names: p.L1038L:CTC>CTG.
Identifiers: ClinVar variation 129459 (VCV000129459.16), dbSNP rs10901345, ClinGen allele CA153486.

ClinVar aggregate classification (germline): Benign. Review status: criteria provided, multiple submitters, no conflicts (2 of 4 stars). 5 submissions from 5 submitters: Benign (4). 1 of the submissions does not count toward it. Last evaluated 2026-02-04.

Conditions:
Occipital pachygyria and polymicrogyria. Identifiers: Orphanet 280640, MedGen C3279875, MONDO:0013583, OMIM 614115.

Allele frequency attached by ClinVar (database versions not stated): ExAC 0.36943; gnomAD exomes 0.39170 and 0.37274; 1000 Genomes Project 0.29313; gnomAD 0.33747 and 0.33677; 1000 Genomes Project 30x 0.28404; ESP Exome Variant Server 0.33485; TOPMed 0.32962.
gnomAD v4.1: 623,316 of 1,611,668 alleles (39%); highest among the groups gnomAD compares: Middle Eastern, 45%; 124,250 homozygotes.

Submissions (5):

Labcorp Genetics (formerly Invitae), Labcorp
Classification: Benign. Last evaluated: 2026-02-04. Review status: criteria provided, single submitter. Criteria: Invitae Variant Classification Sherloc (09022015). Collection method: clinical testing. Allele origin: germline.

Genome-Nilou Lab
Classification: Benign for Occipital pachygyria and polymicrogyria. Last evaluated: 2021-08-19. Review status: criteria provided, single submitter. Criteria: ACMG Guidelines, 2015. Collection method: clinical testing. Allele origin: germline. Affected: no.

GeneDx
Classification: Benign. Last evaluated: 2013-11-06. Review status: criteria provided, single submitter. Criteria: GeneDx Variant Classification (06012015). Collection method: clinical testing. Allele origin: germline. Affected: yes.
Comment: This variant is considered likely benign or benign based on one or more of the following criteria: it is a conservative change, it occurs at a poorly conserved position in the protein, it is predicted to be benign by multiple in silico algorithms, and/or has population frequency not consistent with disease.

Breakthrough Genomics
Classification: Benign. Review status: criteria provided, single submitter. Criteria: ACMG Guidelines, 2015. Collection method: not provided. Allele origin: germline. Inheritance: Autosomal recessive inheritance. Affected: yes.

Genetic Services Laboratory, University of Chicago
Classification: Likely benign for AllHighlyPenetrant. Review status: no assertion criteria provided. Collection method: clinical testing. Allele origin: germline. Inheritance: X-linked inheritance. Not counted in ClinVar's aggregate classification.
Comment: Likely benign based on allele frequency in 1000 Genomes Project or ESP global frequency and its presence in a patient with a rare or unrelated disease phenotype. NOT Sanger confirmed.